The following is an entry in ClinVar:

NM_003579.4(RAD54L):c.1508A>G (p.Tyr503Cys)

Gene: RAD54L (RAD54 like; plus strand). Cytogenetic location: 1p34.1.
Variant type: single nucleotide variant.
Coding change: c.1508A>G on transcript NM_003579.4 (MANE Select); coding-DNA position 1508, A replaced by G.
Protein change: p.Tyr503Cys; replaces tyrosine 503 with cysteine.
Molecular consequence: missense variant.
Genome position (GRCh38, 1-based): chr1:46,273,645, A>G. VCF-style: chr1-46273645-A-G. GRCh37 (hg19) VCF-style: chr1-46739317-A-G.
Other names: c.1508A>G, p.Tyr503Cys (NM_001142548.2); c.968A>G, p.Tyr323Cys (NM_001370766.1); short protein forms Y503C, Y323C.
Identifiers: ClinVar variation 2562798 (VCV002562798.2), dbSNP rs2525712989, ClinGen allele CA340181827.

ClinVar aggregate classification (germline): Uncertain significance (1 of 4 stars; one submission).

Allele frequency attached by ClinVar (database versions not stated): gnomAD exomes below 0.00001.
gnomAD v4.1: 1 of 1,613,880 alleles (0.000062%); highest among the groups gnomAD compares: Middle Eastern, 0.017%; no homozygotes.

Submission:

Ambry Genetics
Classification: Uncertain significance. Last evaluated: 2023-04-28. Review status: criteria provided, single submitter. Criteria: Ambry Variant Classification Scheme 2023. Collection method: clinical testing. Allele origin: germline.
Comment: The p.Y503C variant (also known as c.1508A>G), located in coding exon 14 of the RAD54L gene, results from an A to G substitution at nucleotide position 1508. The tyrosine at codon 503 is replaced by cysteine, an amino acid with highly dissimilar properties. This amino acid position is conserved. In addition, this alteration is predicted to be deleterious by in silico analysis. Since supporting evidence is limited at this time, the clinical significance of this alteration remains unclear.